The following is an entry in ClinVar:

ClinVar aggregate classification (germline): Uncertain significance (1 of 4 stars; one submission).

Conditions:
Hereditary cancer-predisposing syndrome. Also called: Hereditary Cancer Syndrome; Hereditary neoplastic syndrome; Neoplastic Syndromes, Hereditary; Tumor predisposition. Identifiers: Orphanet 140162, MedGen C0027672, MeSH D009386, MONDO:0015356.

Allele frequency attached by ClinVar (database versions not stated): gnomAD exomes below 0.00001.
gnomAD v4.1: 1 of 1,613,616 alleles (0.000062%); highest among the groups gnomAD compares: Non-Finnish European, 0.000085%; no homozygotes.

Submission:

Ambry Genetics
Classification: Uncertain significance for Hereditary cancer-predisposing syndrome. Last evaluated: 2020-01-08. Review status: criteria provided, single submitter. Criteria: Ambry Variant Classification Scheme 2023. Collection method: clinical testing. Allele origin: germline.
Comment: The p.N142H variant (also known as c.424A>C), located in coding exon 4 of the NBN gene, results from an A to C substitution at nucleotide position 424. The asparagine at codon 142 is replaced by histidine, an amino acid with similar properties. This amino acid position is not well conserved in available vertebrate species. In addition, this alteration is predicted to be tolerated by in silico analysis. Since supporting evidence is limited at this time, the clinical significance of this alteration remains unclear.

NM_002485.5(NBN):c.424A>C (p.Asn142His)

Gene: NBN (nibrin; minus strand). Cytogenetic location: 8q21.3.
Variant type: single nucleotide variant.
Coding change: c.424A>C on transcript NM_002485.5 (MANE Select); coding-DNA position 424, A replaced by C.
Protein change: p.Asn142His; replaces asparagine 142 with histidine.
Molecular consequence: missense variant.
Genome position (GRCh38, 1-based): chr8:89,980,790, T>G on the plus strand (A>C on the coding strand, the complement: NBN is on the minus strand). VCF-style: chr8-89980790-T-G. GRCh37 (hg19) VCF-style: chr8-90993018-T-G.
Other names: c.178A>C, p.Asn60His (NM_001024688.3); short protein forms N60H, N142H.
Identifiers: ClinVar variation 1739055 (VCV001739055.2), dbSNP rs1586106848, ClinGen allele CA371661749.